The following is an entry in ClinVar:

ClinVar aggregate classification (germline): Pathogenic (0 of 4 stars; one submission).

Conditions:
Acyl-CoA dehydrogenase 9 deficiency. Also called: Acyl-CoA dehydrogenase family, member 9, deficiency of; MITOCHONDRIAL COMPLEX I DEFICIENCY, NUCLEAR TYPE 20. Identifiers: Orphanet 99901, MedGen C4747517, MONDO:0012624, OMIM 611126.

Submission:

Institut IMAGINE, Institut National de la Sante et de la Recherche Medicale
Classification: Pathogenic for cardiac hypertrophy. Last evaluated: 2015-08-25. Review status: no assertion criteria provided. Collection method: clinical testing. Allele origin: germline. Inheritance: Autosomal recessive inheritance. Affected: yes. Observed: 1 variant allele.
Comment: predicted to be deleterious using three different prediction softwares, namely SIFT, MutationTaster and Polyphen-2

NM_014049.4(ACAD9):c.[1030-1G>T];[1249C>T]

Variant type: CompoundHeterozygote.
Identifiers: ClinVar variation 424744 (VCV000424744.3).